The following is an entry in ClinVar:

ClinVar aggregate classification (germline): Uncertain significance (1 of 4 stars; one submission).

Conditions:
Baller-Gerold syndrome (BGS). Also called: CRANIOSYNOSTOSIS WITH RADIAL DEFECTS. Identifiers: Orphanet 1225, MedGen C0265308, MONDO:0009039, OMIM 218600.

Submission:

Labcorp Genetics (formerly Invitae), Labcorp
Classification: Uncertain significance for Baller-Gerold syndrome. Last evaluated: 2023-06-28. Review status: criteria provided, single submitter. Criteria: Invitae Variant Classification Sherloc (09022015). Collection method: clinical testing. Allele origin: germline.
Comment: In summary, the available evidence is currently insufficient to determine the role of this variant in disease. Therefore, it has been classified as a Variant of Uncertain Significance. Advanced modeling of protein sequence and biophysical properties (such as structural, functional, and spatial information, amino acid conservation, physicochemical variation, residue mobility, and thermodynamic stability) performed at Invitae indicates that this missense variant is expected to disrupt RECQL4 protein function. This variant has not been reported in the literature in individuals affected with RECQL4-related conditions. This variant is present in population databases (rs767530194, gnomAD 0.003%). This sequence change replaces arginine, which is basic and polar, with glycine, which is neutral and non-polar, at codon 1071 of the RECQL4 protein (p.Arg1071Gly).

NM_004260.4(RECQL4):c.3211C>G (p.Arg1071Gly)

Gene: RECQL4 (RecQ like helicase 4; minus strand). Cytogenetic location: 8q24.3.
Variant type: single nucleotide variant.
Coding change: c.3211C>G on transcript NM_004260.4 (MANE Select); coding-DNA position 3211, C replaced by G.
Protein change: p.Arg1071Gly; replaces arginine 1071 with glycine.
Molecular consequence: missense variant. On other transcripts: non-coding transcript variant (3).
Genome position (GRCh38, 1-based): chr8:144,512,169, G>C on the plus strand (C>G on the coding strand, the complement: RECQL4 is on the minus strand). VCF-style: chr8-144512169-G-C. GRCh37 (hg19) VCF-style: chr8-145737552-G-C.
Other names: c.3286C>G, p.Arg1096Gly (NM_001413019.1); c.3115C>G, p.Arg1039Gly (NM_001413020.1); c.2140C>G, p.Arg714Gly (NM_001413021.1, NM_001413022.1, NM_001413024.1 and 4 more transcripts); c.2215C>G, p.Arg739Gly (NM_001413023.1); c.3082C>G, p.Arg1028Gly (NM_001413025.1); c.2074C>G, p.Arg692Gly (NM_001413027.1, NM_001413030.1, NM_001413032.1); c.2860C>G, p.Arg954Gly (NM_001413029.1); c.1942C>G, p.Arg648Gly (NM_001413031.1, NM_001413038.1); and 9 more; short protein forms R704G, R1061G, R1096G, R1005G, R1027G, R1028G, R1039G, R1071G.
Identifiers: ClinVar variation 2731654 (VCV002731654.3), dbSNP rs767530194, ClinGen allele CA4947886.
Genomic context (GRCh38, chr8:144,512,169, plus strand): 5'-TGGATGGTCCCAGGCCCCGCCCGCCTCCTCCCAACCTGTGAAAGGCCTGGAAGGTTCTGC[G>C]CAGACGGGCCAGGGCCTGGCGCTCCCGGGCCTGCACACGGCCATAGAGGAAGTCACATAT-3'
Protein context (NP_004251.4, residues 1061-1081): ARERQALARL[Arg1071Gly]RTFQAFHSVA